The following is an entry in ClinVar:

ClinVar aggregate classification (germline): Uncertain significance (1 of 4 stars; one submission).

Conditions:
ALG6-congenital disorder of glycosylation 1C (CDG1C). Also called: Congenital disorder of glycosylation, type Ic; CARBOHYDRATE-DEFICIENT GLYCOPROTEIN SYNDROME, TYPE I, WITH DEFICIENT GLYCOSYLATION OF DOLICHOL-LINKED OLIGOSACCHARIDE; CARBOHYDRATE-DEFICIENT GLYCOPROTEIN SYNDROME, TYPE V; Congenital disorder of glycosylation type 1C; CDG Ic. Identifiers: Orphanet 79320, MedGen C2930997, MONDO:0011291, OMIM 603147.

Submission:

Myriad Genetics, Inc.
Classification: Uncertain significance for ALG6-congenital disorder of glycosylation 1C. Last evaluated: 2025-12-02. Review status: criteria provided, single submitter. Criteria: Myriad Autosomal Dominant, Autosomal Recessive and X-Linked Classification Criteria (2023). Collection method: clinical testing. Allele origin: unknown.
Comment: NM_013339.3(ALG6):c.1479_1481delTAT(I493del) is an in-frame deletion classified as a variant of uncertain significance in the context of congenital disorder of glycosylation, ALG6-related. I493del has not been observed in cases with relevant disease. Relevant functional assessments of this variant are not available in the literature. I493del has not been observed in referenced population frequency databases. In summary, there is insufficient evidence to classify NM_013339.3(ALG6):c.1479_1481delTAT(I493del) as pathogenic or benign. Please note: this variant was assessed in the context of healthy population screening.

NM_013339.4(ALG6):c.1473TAT[2] (p.Ile493del)

Gene: ALG6 (ALG6 alpha-1,3-glucosyltransferase; plus strand). Cytogenetic location: 1p31.3.
Variant type: Microsatellite.
Coding change: c.1473TAT[2] on transcript NM_013339.4 (MANE Select); two copies in a row of the 3-base unit TAT starting at c.1473; the reference has three copies in a row; one copy, 3 bases deleted.
Protein change: p.Ile493del; deletes isoleucine 493.
Molecular consequence: inframe deletion.
Genome position (GRCh38, 1-based): chr1:63,436,975-63,436,977, TAT deleted; deleting any 3 consecutive bases within chr1:63,436,967-63,436,977 gives the same sequence; the position shown is the placement nearest the transcript's 3' end. VCF-style (leftmost placement, unchanged base first): chr1-63436966-CATT-C. GRCh37 (hg19) VCF-style: chr1-63902637-CATT-C.
Other names: short protein forms I493del.
Identifiers: ClinVar variation 5003623 (VCV005003623.1).